The following is an entry in ClinVar:

NM_001130438.3(SPTAN1):c.1221+11C>G

Gene: SPTAN1 (spectrin alpha, non-erythrocytic 1; plus strand). Cytogenetic location: 9q34.11.
Variant type: single nucleotide variant.
Coding change: c.1221+11C>G on transcript NM_001130438.3 (MANE Select); 11 bases into the intron after coding-DNA position 1221, C replaced by G.
Molecular consequence: intron variant.
Genome position (GRCh38, 1-based): chr9:128,578,256, C>G. VCF-style: chr9-128578256-C-G. GRCh37 (hg19) VCF-style: chr9-131340535-C-G.
Other names: c.1221+11C>G (NM_001363759.2, NM_003127.4, NM_001363765.2 and 1 more transcripts).
Identifiers: ClinVar variation 1483730 (VCV001483730.7), dbSNP rs113357847, ClinGen allele CA5264334.

ClinVar aggregate classification (germline): Uncertain significance (1 of 4 stars; one submission).

Conditions:
Early-infantile DEE. Also called: Ohtahara syndrome; Early infantile epileptic encephalopathy; Early infantile epileptic encephalopathy with suppression bursts. Identifiers: Orphanet 1934, MedGen C0393706, MONDO:0800491.

Allele frequency attached by ClinVar (database versions not stated): TOPMed 0.00006.
gnomAD v4.1: 102 of 1,613,784 alleles (0.0063%); highest among the groups gnomAD compares: Non-Finnish European, 0.0085%; 1 homozygote.

Submission:

Labcorp Genetics (formerly Invitae), Labcorp
Classification: Uncertain significance for Early-infantile DEE. Last evaluated: 2026-01-05. Review status: criteria provided, single submitter. Criteria: Invitae Variant Classification Sherloc (09022015). Collection method: clinical testing. Allele origin: germline.
Comment: This sequence change falls in intron 9 of the SPTAN1 gene. It does not directly change the encoded amino acid sequence of the SPTAN1 protein. This variant is present in population databases (rs113357847, gnomAD 0.005%). This variant has not been reported in the literature in individuals affected with SPTAN1-related conditions. ClinVar contains an entry for this variant (Variation ID: 1483730). Algorithms developed to predict the effect of sequence changes on RNA splicing suggest that this variant may create or strengthen a splice site. In summary, the available evidence is currently insufficient to determine the role of this variant in disease. Therefore, it has been classified as a Variant of Uncertain Significance.